The following is an entry in ClinVar:

NM_000539.3(RHO):c.50C>T (p.Thr17Met)

Gene: RHO (rhodopsin; plus strand). Cytogenetic location: 3q22.1.
Variant type: single nucleotide variant.
Coding change: c.50C>T on transcript NM_000539.3 (MANE Select); coding-DNA position 50, C replaced by T.
Protein change: p.Thr17Met; replaces threonine 17 with methionine.
Molecular consequence: missense variant.
Genome position (GRCh38, 1-based): chr3:129,528,783, C>T. VCF-style: chr3-129528783-C-T. GRCh37 (hg19) VCF-style: chr3-129247626-C-T.
Other names: short protein forms T17M.
Identifiers: ClinVar variation 13018 (VCV000013018.65), dbSNP rs104893769, ClinGen allele CA256665.

ClinVar aggregate classification (germline): Pathogenic. Review status: criteria provided, multiple submitters, no conflicts (2 of 4 stars). 13 submissions from 13 submitters: Pathogenic (11). 2 of the submissions do not count toward it. Last evaluated 2026-08-30.

Conditions:
RHO-related disorder. Also called: RHO-related condition.
Retinal dystrophy. Also called: Inherited retinal dystrophy. Identifiers: Orphanet 71862, MedGen C0854723, MeSH D058499, MONDO:0019118, HP:0000556.
Retinitis pigmentosa (RP). Identifiers: Orphanet 791, MedGen C0035334, MeSH D012174, MONDO:0019200, OMIM 268000. Inheritance: Autosomal dominant, autosomal recessive and X linked inheritance.
Retinitis pigmentosa 4 (RP4). Also called: RETINITIS PIGMENTOSA, RHODOPSIN-RELATED. Identifiers: Orphanet 791, MedGen C3151001, MONDO:0013395, OMIM 613731.

Allele frequency attached by ClinVar (database versions not stated): gnomAD exomes below 0.00001; TOPMed below 0.00001; gnomAD 0.00001.

Submissions (13):

PreventionGenetics, part of Exact Sciences
Classification: Pathogenic for RHO-related condition. Last evaluated: 2026-08-30. Review status: criteria provided, single submitter. Criteria: ACMG Guidelines, 2015. Collection method: clinical testing. Allele origin: germline.
Comment: The RHO c.50C>T variant is predicted to result in the amino acid substitution p.Thr17Met. This variant has been reported many times in individuals with autosomal dominant retinitis pigmentosa (see for examples: Sheffield et al. 1991. PubMed ID: 1897520; Table S1, Stone et al. 2017. PubMed ID: 28559085; Martin-Merida et al. 2018. PubMed ID: 29847639; Table S1, Lin et al. 2024. PubMed ID: 38219857). Multiple functional studies have shown that the p.Thr17Met decreases protein stability and function (Krebs et al. 2009. PubMed ID: 19913029; Opefi et al. 2013. PubMed ID: 24106275). This variant is present in 0.0065% of alleles in individuals of European (Non-Finnish) descent in gnomAD. Given the evidence, we interpret this variant as pathogenic for autosomal dominant disease.

Labcorp Genetics (formerly Invitae), Labcorp
Classification: Pathogenic. Last evaluated: 2025-10-01. Review status: criteria provided, single submitter. Criteria: Invitae Variant Classification Sherloc (09022015). Collection method: clinical testing. Allele origin: germline.
Comment: This sequence change replaces threonine, which is neutral and polar, with methionine, which is neutral and non-polar, at codon 17 of the RHO protein (p.Thr17Met). This variant is present in population databases (rs104893769, gnomAD 0.007%). This missense change has been observed in individual(s) with autosomal dominant retinitis pigmentosa (PMID: 1897520, 28559085). It has also been observed to segregate with disease in related individuals. ClinVar contains an entry for this variant (Variation ID: 13018). Invitae Evidence Modeling of protein sequence and biophysical properties (such as structural, functional, and spatial information, amino acid conservation, physicochemical variation, residue mobility, and thermodynamic stability) indicates that this missense variant is expected to disrupt RHO protein function with a positive predictive value of 95%. Experimental studies have shown that this missense change affects RHO function (PMID: 19913029). For these reasons, this variant has been classified as Pathogenic.

SingHealth Duke-NUS Institute of Precision Medicine
Classification: Pathogenic for Retinitis pigmentosa 4. Last evaluated: 2025-02-05. Review status: criteria provided, single submitter. Criteria: PRISM ACMG Classification Criteria. Collection method: clinical testing. Allele origin: germline. Affected: yes.
Comment: Variant is located in a mutational hotspot where >50% of variants are pathogenic (PM1). Other variant at this amino acid residue has been classified as pathogenic (PM5, p.Thr17Lys). Prevalence of variant is increased in affected patients compared to the general population (PS4). Experimental studies have shown that this missense change affects RHO function (PS3, PMID: 19913029).

3billion
Classification: Pathogenic for Retinitis pigmentosa 4. Last evaluated: 2024-10-10. Review status: criteria provided, single submitter. Criteria: ACMG Guidelines, 2015. Collection method: clinical testing. Allele origin: germline. Affected: yes.
Comment: The variant is observed at an extremely low frequency in the gnomAD v4.1.0 dataset (total allele frequency: <0.001%). Predicted Consequence/Location: Missense variant. Missense changes are a common disease-causing mechanism. Functional studies provide strong evidence of the variant having a damaging effect on the gene or gene product (PMID: 19913029). The same nucleotide change resulting in the same amino acid change has been previously reported as pathogenic/likely pathogenic with strong evidence (ClinVar ID: VCV000013018 /PMID: 1897520 /3billion dataset). The variant has been observed in at least two similarly affected unrelated individuals (PMID: 1897520, 28559085 /3billion dataset). The variant has been reported to co-segregate with the disease in at least 5 similarly affected relatives/individuals in the same family or similarly affected unrelated families (PMID: 1897520). Different missense changes at the same codon (p.Thr17Arg, p.Thr17Lys) have been reported as pathogenic/likely pathogenic with strong evidence (ClinVar ID: VCV000984772 /PMID: 36460718). Therefore, this variant is classified as Pathogenic according to the recommendation of ACMG/AMP guideline.

Dept Of Ophthalmology, Nagoya University
Classification: Pathogenic for Retinal dystrophy. Last evaluated: 2023-10-01. Review status: criteria provided, single submitter. Criteria: Submitter's publication. Collection method: research. Allele origin: germline. Affected: yes.

Blueprint Genetics
Classification: Pathogenic for RHO-related disorders. Last evaluated: 2022-07-22. Review status: criteria provided, single submitter. Criteria: ACMG Guidelines, 2015. Collection method: clinical testing. Allele origin: germline. Affected: yes. Observed: 5 variant alleles.

CeGaT Center for Human Genetics Tuebingen
Classification: Pathogenic. Last evaluated: 2022-06-01. Review status: criteria provided, single submitter. Criteria: CeGaT Center For Human Genetics Tuebingen Variant Classification Criteria Version 2. Collection method: clinical testing. Allele origin: germline. Affected: yes. Observed: 3 variant alleles.
Comment: RHO: PP1:Strong, PM2, PS3:Moderate, PS4:Moderate

Institute of Human Genetics, Univ. Regensburg, Univ. Regensburg
Classification: Pathogenic for Retinal dystrophy. Last evaluated: 2022-01-01. Review status: criteria provided, single submitter. Criteria: ACMG Guidelines, 2015. Collection method: clinical testing. Allele origin: germline. Affected: yes.

Institute of Medical Genetics and Applied Genomics, University Hospital Tübingen
Classification: Pathogenic. Last evaluated: 2021-02-01. Review status: criteria provided, single submitter. Criteria: ACMG Guidelines, 2015. Collection method: clinical testing. Allele origin: germline. Inheritance: Unknown mechanism. Affected: yes.

Centre for Genomic Medicine, Manchester, Central Manchester University Hospitals
Classification: Pathogenic for Retinitis pigmentosa 4. Last evaluated: 2020-09-01. Review status: criteria provided, single submitter. Criteria: ACMG Guidelines, 2015. Collection method: clinical testing. Allele origin: germline. Affected: yes. Observed: 1 heterozygote.

ARUP Laboratories, Molecular Genetics and Genomics, ARUP Laboratories
Classification: Pathogenic. Last evaluated: 2018-09-27. Review status: criteria provided, single submitter. Criteria: ARUP Molecular Germline Variant Investigation Process. Collection method: clinical testing. Allele origin: germline.
Comment: The RHO c.50C>T; p.Thr17Met variant (rs104893769) is reported in the medical literature as segregating with disease in families with retinitis pigemtosa (Jacobson 2016, Sheffield 1991, Sung 1991). Additionally, functional studies of this variant in cell culture and in a mouse model show the rhodopsin protein is deficient (Krebs 2010, Li 1998). This variant is reported in the ClinVar database (Variation ID: 13018) and in the Genome Aggregation Database in 1 out of 30948 alleles, indicating it is not a common polymorphism. The threonine at codon 17 is highly conserved and computational algorithms (PolyPhen-2, SIFT) predict this variant is deleterious. Additionally, other variants in this region are considered pathogenic (see link to RHO variants in ClinVar below). Considering available information, this variant is classified as pathogenic. Pathogenic RHO variants are causative for autosomal dominant or recessive retinitis pigmentosa (MIM: 613731) or retinitis punctata albescens (MIM: 136880). However, this variant is specifically associated with autosomal dominant retinitis pigmentosa. References: Link to RHO variants in ClinVar: Jacobson SG et al. Complexity of the Class B Phenotype in Autosomal Dominant Retinitis Pigmentosa Due to Rhodopsin Mutations. Invest Ophthalmol Vis Sci. 2016 Sep 1;57(11):4847-4858. Krebs MP et al. Molecular mechanisms of rhodopsin retinitis pigmentosa and the efficacy of pharmacological rescue. J Mol Biol. 2010 Feb 5;395(5):1063-78. Li T et al. Effect of vitamin A supplementation on rhodopsin mutants threonine-17 --> methionine and proline-347 --> serine in transgenic mice and in cell cultures. Proc Natl Acad Sci U S A. 1998 Sep 29;95(20):11933-8. Sheffield VC et al. Identification of novel rhodopsin mutations associated with retinitis pigmentosa by GC-clamped denaturing gradient gel electrophoresis. Am J Hum Genet. 1991 Oct;49(4):699-706. Sung CH et al. Rhodopsin mutations in autosomal dominant retinitis pigmentosa. Proc Natl Acad Sci U S A. 1991 Aug 1;88(15):6481-5.

Department of Clinical Genetics, Copenhagen University Hospital, Rigshospitalet
Classification: Pathogenic for Retinitis pigmentosa. Last evaluated: 2018-04-01. Review status: no assertion criteria provided. Collection method: research. Allele origin: unknown. Affected: yes. Study: VeluxRD. Not counted in ClinVar's aggregate classification.

OMIM
Classification: Pathogenic for RETINITIS PIGMENTOSA 4. Last evaluated: 1991-09-15. Review status: no assertion criteria provided. Collection method: literature only. Allele origin: germline. Not counted in ClinVar's aggregate classification.

Literature cited by the submitters: PubMed 1897520 (cited by 3 submitters); PubMed 28559085 (cited by 3 submitters); PubMed 19913029 (cited by 4 submitters); PubMed 36460718 (cited by 3billion); PubMed 1882937 (cited by Institute of Human Genetics, Univ. Regensburg, Univ. Regensburg and OMIM); PubMed 11139241 (cited by Institute of Human Genetics, Univ. Regensburg, Univ. Regensburg); PubMed 21094163 (cited by Institute of Human Genetics, Univ. Regensburg, Univ. Regensburg); PubMed 24106275 (cited by Institute of Human Genetics, Univ. Regensburg, Univ. Regensburg); PubMed 24573320 (cited by Institute of Human Genetics, Univ. Regensburg, Univ. Regensburg); PubMed 27654411 (cited by Institute of Human Genetics, Univ. Regensburg, Univ. Regensburg); PubMed 29847639 (cited by Institute of Human Genetics, Univ. Regensburg, Univ. Regensburg); PubMed 31054281 (cited by Institute of Human Genetics, Univ. Regensburg, Univ. Regensburg); PubMed 31213501 (cited by Institute of Human Genetics, Univ. Regensburg, Univ. Regensburg); PubMed 31717845 (cited by Institute of Human Genetics, Univ. Regensburg, Univ. Regensburg); PubMed 30977563 (cited by Institute of Human Genetics, Univ. Regensburg, Univ. Regensburg); PubMed 31964843 (cited by Institute of Human Genetics, Univ. Regensburg, Univ. Regensburg); PubMed 31429209 (cited by Institute of Human Genetics, Univ. Regensburg, Univ. Regensburg); PubMed 33090715 (cited by Institute of Human Genetics, Univ. Regensburg, Univ. Regensburg); PubMed 32531858 (cited by Institute of Human Genetics, Univ. Regensburg, Univ. Regensburg); PubMed 34721897 (cited by Institute of Human Genetics, Univ. Regensburg, Univ. Regensburg); PubMed 33946315 (cited by Institute of Human Genetics, Univ. Regensburg, Univ. Regensburg); PubMed 33691693 (cited by Institute of Human Genetics, Univ. Regensburg, Univ. Regensburg); PubMed 36284460 (cited by Institute of Human Genetics, Univ. Regensburg, Univ. Regensburg); PubMed 30718709 (cited by Department of Clinical Genetics, Copenhagen University Hospital, Rigshospitalet); PubMed 1862076 (cited by OMIM).